The following is an entry in ClinVar:

NM_001142784.3(IL11RA):c.886C>T (p.Arg296Trp)

Gene: IL11RA (interleukin 11 receptor subunit alpha; plus strand). Cytogenetic location: 9p13.3.
Variant type: single nucleotide variant.
Coding change: c.886C>T on transcript NM_001142784.3 (MANE Select); coding-DNA position 886, C replaced by T.
Protein change: p.Arg296Trp; replaces arginine 296 with tryptophan.
Molecular consequence: missense variant. On other transcripts: non-coding transcript variant (1).
Genome position (GRCh38, 1-based): chr9:34,659,834, C>T. VCF-style: chr9-34659834-C-T. GRCh37 (hg19) VCF-style: chr9-34659831-C-T.
Other names: short protein forms R296W.
Identifiers: ClinVar variation 30136 (VCV000030136.4), dbSNP rs387906784, ClinGen allele CA128968.
Genomic context (GRCh38, chr9:34,659,834, plus strand): 5'-CTGGAGGAGGTGATCACAGATGCTGTGGCTGGGCTGCCCCATGCTGTACGAGTCAGTGCC[C>T]GGGACTTTCTAGATGCTGGCACCTGGAGCACCTGGAGCCCGGAGGCCTGGGGAACTCCGA-3'
Protein context (NP_001136256.1, residues 286-306): GLPHAVRVSA[Arg296Trp]DFLDAGTWST

ClinVar aggregate classification (germline): Pathogenic. Review status: criteria provided, single submitter (1 of 4 stars). 2 submissions from 2 submitters: Pathogenic (1). 1 of the submissions does not count toward it. Last evaluated 2024-05-08.

Conditions:
Craniosynostosis and dental anomalies (CRSDA). Also called: KREIBORG-PAKISTANI SYNDROME. Identifiers: Orphanet 284149, MedGen C3280073, MONDO:0013615, OMIM 614188.

Allele frequency attached by ClinVar (database versions not stated): ExAC 0.00002; gnomAD exomes 0.00002 and 0.00003; TOPMed 0.00007; gnomAD 0.00013.
gnomAD v4.1: 51 of 1,614,014 alleles (0.0032%); highest among the groups gnomAD compares: Middle Eastern, 0.016%; no homozygotes.

Submissions (2):

Labcorp Genetics (formerly Invitae), Labcorp
Classification: Pathogenic. Last evaluated: 2024-05-08. Review status: criteria provided, single submitter. Criteria: Invitae Variant Classification Sherloc (09022015). Collection method: clinical testing. Allele origin: germline.
Comment: This sequence change replaces arginine, which is basic and polar, with tryptophan, which is neutral and slightly polar, at codon 296 of the IL11RA protein (p.Arg296Trp). This variant is present in population databases (rs387906784, gnomAD 0.02%). This missense change has been observed in individual(s) with craniosynostosis (PMID: 21741611). It has also been observed to segregate with disease in related individuals. ClinVar contains an entry for this variant (Variation ID: 30136). Advanced modeling of protein sequence and biophysical properties (such as structural, functional, and spatial information, amino acid conservation, physicochemical variation, residue mobility, and thermodynamic stability) performed at Invitae indicates that this missense variant is not expected to disrupt IL11RA protein function with a negative predictive value of 80%. Experimental studies have shown that this missense change affects IL11RA function (PMID: 21741611, 30282020). For these reasons, this variant has been classified as Pathogenic.

OMIM
Classification: Pathogenic for CRANIOSYNOSTOSIS AND DENTAL ANOMALIES. Last evaluated: 2011-07-15. Review status: no assertion criteria provided. Collection method: literature only. Allele origin: germline. Not counted in ClinVar's aggregate classification.

Literature cited by the submitters: PubMed 21741611 (cited by Labcorp Genetics (formerly Invitae), Labcorp and OMIM); PubMed 30282020 (cited by Labcorp Genetics (formerly Invitae), Labcorp).